The following is an entry in ClinVar:

ClinVar aggregate classification (germline): Uncertain significance (1 of 4 stars; one submission).

Conditions:
Multiple endocrine neoplasia, type 2 (MEN2). Identifiers: Orphanet 653, MedGen C4048306, MONDO:0019003. Disease mechanism: gain of function.

Allele frequency attached by ClinVar (database versions not stated): gnomAD exomes below 0.00001.
gnomAD v4.1: 1 of 1,613,500 alleles (0.000062%); highest among the groups gnomAD compares: Non-Finnish European, 0.000085%; no homozygotes.

Submission:

Labcorp Genetics (formerly Invitae), Labcorp
Classification: Uncertain significance for Multiple endocrine neoplasia, type 2. Last evaluated: 2023-05-20. Review status: criteria provided, single submitter. Criteria: Invitae Variant Classification Sherloc (09022015). Collection method: clinical testing. Allele origin: germline.
Comment: In summary, the available evidence is currently insufficient to determine the role of this variant in disease. Therefore, it has been classified as a Variant of Uncertain Significance. Algorithms developed to predict the effect of sequence changes on RNA splicing suggest that this variant may create or strengthen a splice site. ClinVar contains an entry for this variant (Variation ID: 1930626). This variant has not been reported in the literature in individuals affected with RET-related conditions. This variant is not present in population databases (gnomAD no frequency). This sequence change falls in intron 6 of the RET gene. It does not directly change the encoded amino acid sequence of the RET protein.

NM_020975.6(RET):c.1264-11T>C

Gene: RET (ret proto-oncogene; plus strand). Cytogenetic location: 10q11.21.
Variant type: single nucleotide variant.
Coding change: c.1264-11T>C on transcript NM_020975.6 (MANE Select); 11 bases into the intron before coding-DNA position 1264, T replaced by C.
Molecular consequence: intron variant.
Genome position (GRCh38, 1-based): chr10:43,111,196, T>C. VCF-style: chr10-43111196-T-C. GRCh37 (hg19) VCF-style: chr10-43606644-T-C.
Other names: c.1264-11T>C (NM_020630.7, NM_001406743.1, NM_001406744.1 and 4 more transcripts); c.868-11T>C (NM_001406772.1, NM_001406769.1); c.826-11T>C (NM_001406773.1, NM_001406771.1); c.626-903T>C (NM_001406782.1, NM_001406780.1, NM_001406779.1 and 3 more transcripts); c.1135-11T>C (NM_001406764.1, NM_001406762.1, NM_001406761.1 and 1 more transcripts); c.739-11T>C (NM_001406774.1); c.497-903T>C (NM_001406786.1, NM_001406783.1); c.976-11T>C (NM_001406770.1, NM_001406766.1, NM_001406767.1); and 5 more.
Identifiers: ClinVar variation 1930626 (VCV001930626.5), dbSNP rs2132765140, ClinGen allele CA2580081492.